The following is an entry in ClinVar:

ClinVar aggregate classification (germline): Conflicting classifications of pathogenicity. Review status: criteria provided, conflicting classifications (1 of 4 stars). 3 submissions from 3 submitters: Pathogenic (1); Likely pathogenic (1); Uncertain significance (1). Last evaluated 2026-05-22.

Conditions:
ECHS1-related disorders.

Allele frequency attached by ClinVar (database versions not stated): ExAC 0.00002; gnomAD 0.00002; gnomAD exomes 0.00004.
gnomAD v4.1: 61 of 1,613,594 alleles (0.0038%); highest among the groups gnomAD compares: Non-Finnish European, 0.0047%; no homozygotes.

Submissions (3):

GeneDx
Classification: Likely pathogenic. Last evaluated: 2026-05-22. Review status: criteria provided, single submitter. Criteria: GeneDx Variant Classification Process June 2021. Collection method: clinical testing. Allele origin: germline.
Comment: Not observed at significant frequency in large population cohorts (gnomAD); In silico analysis supports that this missense variant has a deleterious effect on protein structure/function; This variant is associated with the following publications: (PMID: 35076175, 38168508, 35856138, 35586607)

Blueprint Genetics
Classification: Pathogenic for ECHS1-related disorders. Last evaluated: 2024-11-22. Review status: criteria provided, single submitter. Criteria: ACMG Guidelines, 2015. Collection method: clinical testing. Allele origin: germline. Affected: yes. Observed: 1 variant allele.

Labcorp Genetics (formerly Invitae), Labcorp
Classification: Uncertain significance. Last evaluated: 2022-09-07. Review status: criteria provided, single submitter. Criteria: Invitae Variant Classification Sherloc (09022015). Collection method: clinical testing. Allele origin: germline.
Comment: In summary, the available evidence is currently insufficient to determine the role of this variant in disease. Therefore, it has been classified as a Variant of Uncertain Significance. Advanced modeling of protein sequence and biophysical properties (such as structural, functional, and spatial information, amino acid conservation, physicochemical variation, residue mobility, and thermodynamic stability) performed at Invitae indicates that this missense variant is expected to disrupt ECHS1 protein function. ClinVar contains an entry for this variant (Variation ID: 1461890). This variant has not been reported in the literature in individuals affected with ECHS1-related conditions. This variant is present in population databases (rs759771909, gnomAD 0.006%). This sequence change replaces tyrosine, which is neutral and polar, with cysteine, which is neutral and slightly polar, at codon 153 of the ECHS1 protein (p.Tyr153Cys).

NM_004092.4(ECHS1):c.458A>G (p.Tyr153Cys)

Gene: ECHS1 (enoyl-CoA hydratase, short chain 1; minus strand). Cytogenetic location: 10q26.3.
Variant type: single nucleotide variant.
Coding change: c.458A>G on transcript NM_004092.4 (MANE Select); coding-DNA position 458, A replaced by G.
Protein change: p.Tyr153Cys; replaces tyrosine 153 with cysteine.
Molecular consequence: missense variant.
Genome position (GRCh38, 1-based): chr10:133,368,979, T>C on the plus strand (A>G on the coding strand, the complement: ECHS1 is on the minus strand). VCF-style: chr10-133368979-T-C. GRCh37 (hg19) VCF-style: chr10-135182483-T-C.
Other names: c.458A>G (NM_004092.3); short protein forms Y153C.
Identifiers: ClinVar variation 1461890 (VCV001461890.7), dbSNP rs759771909, ClinGen allele CA5765767.
Genomic context (GRCh38, chr10:133,368,979, plus strand): 5'-TTACCTGGGATGGTTCCTATTAAGATCTCCGGCTGTGCAAACTGGGCCTTCTCACCGGCA[T>C]AGATGATATCACACATCATGGCAAGCTCACAGCCCCCGCCAAACTGTAAAACATTCGGCA-3'
Protein context (NP_004083.3, residues 143-163): CELAMMCDII[Tyr153Cys]AGEKAQFAQP